The following is an entry in ClinVar:

NM_015662.3(IFT172):c.184-2A>C

Gene: IFT172 (intraflagellar transport 172; minus strand). Cytogenetic location: 2p23.3.
Variant type: single nucleotide variant.
Coding change: c.184-2A>C on transcript NM_015662.3 (MANE Select); the canonical splice acceptor site of the intron before coding-DNA position 184, A replaced by C.
Molecular consequence: splice acceptor variant.
Genome position (GRCh38, 1-based): chr2:27,485,132, T>G on the plus strand (A>C on the coding strand, the complement: IFT172 is on the minus strand). VCF-style: chr2-27485132-T-G. GRCh37 (hg19) VCF-style: chr2-27707999-T-G.
Other names: c.184-2A>C (NM_001410739.1, NM_015662.2).
Identifiers: ClinVar variation 1348759 (VCV001348759.9), dbSNP rs2148559396, ClinGen allele CA346402852.

ClinVar aggregate classification (germline): Likely pathogenic. Review status: criteria provided, multiple submitters, no conflicts (2 of 4 stars). 2 submissions from 2 submitters: Likely pathogenic (2). Last evaluated 2023-09-01.

Conditions:
IFT172-related disorder. Also called: IFT172-related disorders; IFT172-related condition.
Retinitis pigmentosa 71 (RP71). Identifiers: Orphanet 791, MedGen C4225342, MONDO:0014618, OMIM 616394.
Short-rib thoracic dysplasia 10 with or without polydactyly (SRTD10). Identifiers: Orphanet 474, MedGen C3810175, MONDO:0014284, OMIM 615630.

Submissions (2):

PreventionGenetics, part of Exact Sciences
Classification: Likely pathogenic for IFT172-related condition. Last evaluated: 2023-09-01. Review status: criteria provided, single submitter. Criteria: ACMG Guidelines, 2015. Collection method: clinical testing. Allele origin: germline.
Comment: The IFT172 c.184-2A>C variant is predicted to disrupt the AG splice acceptor site and interfere with normal splicing. To our knowledge, this variant has not been reported in the literature or in a large population database, indicating this variant is rare. Variants that disrupt the consensus splice acceptor site in IFT172 are expected to be pathogenic. This variant is interpreted as likely pathogenic.

Labcorp Genetics (formerly Invitae), Labcorp
Classification: Likely pathogenic for Retinitis pigmentosa 71; Short-rib thoracic dysplasia 10 with or without polydactyly. Last evaluated: 2020-11-12. Review status: criteria provided, single submitter. Criteria: Invitae Variant Classification Sherloc (09022015). Collection method: clinical testing. Allele origin: germline.
Comment: In summary, the currently available evidence indicates that the variant is pathogenic, but additional data are needed to prove that conclusively. Therefore, this variant has been classified as Likely Pathogenic. Algorithms developed to predict the effect of sequence changes on RNA splicing suggest that this variant may disrupt the consensus splice site, but this prediction has not been confirmed by published transcriptional studies. This variant has not been reported in the literature in individuals with IFT172-related conditions. This variant is not present in population databases (ExAC no frequency). This sequence change affects an acceptor splice site in intron 2 of the IFT172 gene. It is expected to disrupt RNA splicing. Variants that disrupt the donor or acceptor splice site typically lead to a loss of protein function (PMID: 16199547), and loss-of-function variants in IFT172 are known to be pathogenic (PMID: 24140113).

Literature cited by the submitters: PubMed 16199547 (cited by Labcorp Genetics (formerly Invitae), Labcorp); PubMed 24140113 (cited by Labcorp Genetics (formerly Invitae), Labcorp).